The following is an entry in ClinVar:

ClinVar aggregate classification (germline): Uncertain significance. Review status: criteria provided, multiple submitters, no conflicts (2 of 4 stars). 2 submissions from 2 submitters: Uncertain significance (2). Last evaluated 2025-10-18.

Conditions:
Inborn genetic diseases. Identifiers: MedGen C0950123, MeSH D030342.
Exostoses, multiple, type 2 (EXT2). Also called: Hereditary Multiple Osteochondromatosis, Type II; EXOSTOSES, MULTIPLE, TYPE II. Identifiers: Orphanet 321, MedGen C1851413, MONDO:0007586, OMIM 133701.

Allele frequency attached by ClinVar (database versions not stated): ExAC 0.00001; gnomAD 0.00002; TOPMed 0.00002; gnomAD exomes 0.00005.
gnomAD v4.1: 80 of 1,613,984 alleles (0.005%); highest among the groups gnomAD compares: Non-Finnish European, 0.0065%; no homozygotes.

Submissions (2):

Labcorp Genetics (formerly Invitae), Labcorp
Classification: Uncertain significance for Exostoses, multiple, type 2. Last evaluated: 2025-10-18. Review status: criteria provided, single submitter. Criteria: Invitae Variant Classification Sherloc (09022015). Collection method: clinical testing. Allele origin: germline.
Comment: This sequence change replaces tryptophan, which is neutral and slightly polar, with serine, which is neutral and polar, at codon 396 of the EXT2 protein (p.Trp396Ser). This variant is present in population databases (rs750542485, gnomAD 0.004%). This variant has not been reported in the literature in individuals affected with EXT2-related conditions. ClinVar contains an entry for this variant (Variation ID: 2893003). Invitae Evidence Modeling of protein sequence and biophysical properties (such as structural, functional, and spatial information, amino acid conservation, physicochemical variation, residue mobility, and thermodynamic stability) has been performed for this missense variant. However, the output from this modeling did not meet the statistical confidence thresholds required to predict the impact of this variant on EXT2 protein function. In summary, the available evidence is currently insufficient to determine the role of this variant in disease. Therefore, it has been classified as a Variant of Uncertain Significance.

Ambry Genetics
Classification: Uncertain significance for Inborn genetic diseases. Last evaluated: 2025-08-12. Review status: criteria provided, single submitter. Criteria: Ambry Variant Classification Scheme 2023. Collection method: clinical testing. Allele origin: germline.

NM_207122.2(EXT2):c.1187G>C (p.Trp396Ser)

Gene: EXT2 (exostosin glycosyltransferase 2; plus strand). Cytogenetic location: 11p11.2.
Variant type: single nucleotide variant.
Coding change: c.1187G>C on transcript NM_207122.2 (MANE Select); coding-DNA position 1187, G replaced by C.
Protein change: p.Trp396Ser; replaces tryptophan 396 with serine.
Molecular consequence: missense variant. On other transcripts: intron variant (1).
Genome position (GRCh38, 1-based): chr11:44,171,624, G>C. VCF-style: chr11-44171624-G-C. GRCh37 (hg19) VCF-style: chr11-44193174-G-C.
Other names: c.1286G>C, p.Trp429Ser (NM_000401.3); c.1187G>C, p.Trp396Ser (NM_001389628.1, NM_001389630.1); c.1267-50G>C (NM_001178083.3); short protein forms W429S, W396S.
Identifiers: ClinVar variation 2893003 (VCV002893003.4), dbSNP rs750542485, ClinGen allele CA5955190.